The following is an entry in ClinVar:

ClinVar aggregate classification (germline): Uncertain significance. Review status: criteria provided, multiple submitters, no conflicts (2 of 4 stars). 3 submissions from 3 submitters: Uncertain significance (3). Last evaluated 2024-02-05.

Conditions:
Bardet-Biedl syndrome 6 (BBS6). Identifiers: Orphanet 110, MedGen C1858054, MONDO:0011523, OMIM 605231.
McKusick-Kaufman syndrome (MKKS). Also called: HYDROMETROCOLPOS SYNDROME; HYDROMETROCOLPOS, POSTAXIAL POLYDACTYLY, AND CONGENITAL HEART MALFORMATION. Identifiers: Orphanet 2473, MedGen C0948368, MONDO:0009367, OMIM 236700.
Inborn genetic diseases. Identifiers: MedGen C0950123, MeSH D030342.
Bardet-Biedl syndrome (BBS). Identifiers: Orphanet 110, MedGen C0752166, MONDO:0015229.

Allele frequency attached by ClinVar (database versions not stated): gnomAD exomes 0.00001 and 0.00002; ExAC 0.00002; gnomAD 0.00003; TOPMed 0.00003.
gnomAD v4.1: 26 of 1,613,730 alleles (0.0016%); highest among the groups gnomAD compares: African/African-American, 0.004%; no homozygotes.

Submissions (3):

Fulgent Genetics
Classification: Uncertain significance for McKusick-Kaufman syndrome; Bardet-Biedl syndrome 6. Last evaluated: 2024-02-05. Review status: criteria provided, single submitter. Criteria: ACMG Guidelines, 2015. Collection method: clinical testing. Allele origin: germline.

Ambry Genetics
Classification: Uncertain significance for Inborn genetic diseases. Last evaluated: 2023-10-28. Review status: criteria provided, single submitter. Criteria: Ambry Variant Classification Scheme 2023. Collection method: clinical testing. Allele origin: germline.

Labcorp Genetics (formerly Invitae), Labcorp
Classification: Uncertain significance for McKusick-Kaufman syndrome; Bardet-Biedl syndrome. Last evaluated: 2021-08-28. Review status: criteria provided, single submitter. Criteria: Invitae Variant Classification Sherloc (09022015). Collection method: clinical testing. Allele origin: germline.
Comment: This sequence change replaces glycine with valine at codon 356 of the MKKS protein (p.Gly356Val). The glycine residue is highly conserved and there is a moderate physicochemical difference between glycine and valine. This variant is present in population databases (rs745728640, ExAC 0.01%). This variant has not been reported in the literature in individuals affected with MKKS-related conditions. Algorithms developed to predict the effect of missense changes on protein structure and function are either unavailable or do not agree on the potential impact of this missense change (SIFT: "Deleterious"; PolyPhen-2: "Possibly Damaging"; Align-GVGD: "Class C15"). In summary, the available evidence is currently insufficient to determine the role of this variant in disease. Therefore, it has been classified as a Variant of Uncertain Significance.

NM_170784.3(MKKS):c.1067G>T (p.Gly356Val)

Gene: MKKS (MKKS centrosomal shuttling protein; minus strand). Cytogenetic location: 20p12.2.
Variant type: single nucleotide variant.
Coding change: c.1067G>T on transcript NM_170784.3 (MANE Select); coding-DNA position 1067, G replaced by T.
Protein change: p.Gly356Val; replaces glycine 356 with valine.
Molecular consequence: missense variant. On other transcripts: non-coding transcript variant (1).
Genome position (GRCh38, 1-based): chr20:10,408,722, C>A on the plus strand (G>T on the coding strand, the complement: MKKS is on the minus strand). VCF-style: chr20-10408722-C-A. GRCh37 (hg19) VCF-style: chr20-10389370-C-A.
Other names: c.1067G>T (NM_018848.2); c.1067G>T, p.Gly356Val (NM_018848.3); short protein forms G356V.
Identifiers: ClinVar variation 1035427 (VCV001035427.8), dbSNP rs745728640, ClinGen allele CA9763567.